The following is an entry in ClinVar:

ClinVar aggregate classification (germline): Uncertain significance. Review status: criteria provided, multiple submitters, no conflicts (2 of 4 stars). 4 submissions from 4 submitters: Uncertain significance (3). 1 of the submissions does not count toward it. Last evaluated 2025-02-27.

Conditions:
VPS13B-related disorder. Also called: VPS13B-related condition.
Cohen syndrome (COH1). Also called: PEPPER SYNDROME; Cutis verticis gyrata, retinitis pigmentosa, and sensorineural deafness. Identifiers: Orphanet 193, MedGen C0265223, MONDO:0008999, OMIM 216550.

gnomAD v4.1: 2 of 1,614,194 alleles (0.00012%); no homozygotes.

Submissions (4):

Labcorp Genetics (formerly Invitae), Labcorp
Classification: Uncertain significance for Cohen syndrome. Last evaluated: 2025-02-27. Review status: criteria provided, single submitter. Criteria: Invitae Variant Classification Sherloc (09022015). Collection method: clinical testing. Allele origin: germline.
Comment: This sequence change replaces histidine, which is basic and polar, with aspartic acid, which is acidic and polar, at codon 3557 of the VPS13B protein (p.His3557Asp). This variant is not present in population databases (gnomAD no frequency). This variant has not been reported in the literature in individuals affected with VPS13B-related conditions. ClinVar contains an entry for this variant (Variation ID: 1002207). Invitae Evidence Modeling of protein sequence and biophysical properties (such as structural, functional, and spatial information, amino acid conservation, physicochemical variation, residue mobility, and thermodynamic stability) indicates that this missense variant is not expected to disrupt VPS13B protein function with a negative predictive value of 80%. In summary, the available evidence is currently insufficient to determine the role of this variant in disease. Therefore, it has been classified as a Variant of Uncertain Significance.

PreventionGenetics, part of Exact Sciences
Classification: Uncertain significance for VPS13B-related condition. Last evaluated: 2023-09-14. Review status: criteria provided, single submitter. Criteria: ACMG Guidelines, 2015. Collection method: clinical testing. Allele origin: germline.
Comment: The VPS13B c.10594C>G variant is predicted to result in the amino acid substitution p.His3532Asp. To our knowledge, this variant has not been reported in the literature or in a large population database, indicating this variant is rare. At this time, the clinical significance of this variant is uncertain due to the absence of conclusive functional and genetic evidence.

GeneDx
Classification: Uncertain significance. Last evaluated: 2021-10-09. Review status: criteria provided, single submitter. Criteria: GeneDx Variant Classification Process June 2021. Collection method: clinical testing. Allele origin: germline. Affected: yes.
Comment: Not observed at significant frequency in large population cohorts (gnomAD); In silico analysis supports that this missense variant does not alter protein structure/function; Has not been previously published as pathogenic or benign to our knowledge

Natera, Inc.
Classification: Uncertain significance for Cohen syndrome. Last evaluated: 2020-01-24. Review status: no assertion criteria provided. Collection method: clinical testing. Allele origin: germline. Not counted in ClinVar's aggregate classification.

NM_152564.5(VPS13B):c.10594C>G (p.His3532Asp)

Gene: VPS13B (vacuolar protein sorting 13 homolog B; plus strand). Cytogenetic location: 8q22.2.
Variant type: single nucleotide variant.
Coding change: c.10594C>G on transcript NM_152564.5 (MANE Select); coding-DNA position 10594, C replaced by G.
Protein change: p.His3532Asp; replaces histidine 3532 with aspartic acid.
Molecular consequence: missense variant.
Genome position (GRCh38, 1-based): chr8:99,853,983, C>G. VCF-style: chr8-99853983-C-G. GRCh37 (hg19) VCF-style: chr8-100866211-C-G.
Other names: c.10669C>G, p.His3557Asp (NM_017890.5); c.10669C>G (NM_017890.3); c.10594C>G (NM_152564.4); short protein forms H3532D, H3557D.
Identifiers: ClinVar variation 1002207 (VCV001002207.12), dbSNP rs1588786822, ClinGen allele CA371784198.